The following is an entry in ClinVar:

ClinVar aggregate classification (germline): Pathogenic (1 of 4 stars; one submission).

Submission:

Labcorp Genetics (formerly Invitae), Labcorp
Classification: Pathogenic. Last evaluated: 2022-09-02. Review status: criteria provided, single submitter. Criteria: Invitae Variant Classification Sherloc (09022015). Collection method: clinical testing. Allele origin: germline.
Comment: For these reasons, this variant has been classified as Pathogenic. This variant disrupts a region of the ALPL protein in which other variant(s) (p.Met295Thr) have been determined to be pathogenic (PMID: 15660230, 15694177). This suggests that this is a clinically significant region of the protein, and that variants that disrupt it are likely to be disease-causing. Algorithms developed to predict the effect of sequence changes on RNA splicing suggest that this variant may disrupt the consensus splice site. This variant has not been reported in the literature in individuals affected with ALPL-related conditions. This variant is not present in population databases (gnomAD no frequency). This variant results in the deletion of part of exon 9 (c.863-147_884del) of the ALPL gene. It is expected to disrupt RNA splicing. Variants that disrupt the donor or acceptor splice site typically lead to a loss of protein function (PMID: 16199547), and loss-of-function variants in ALPL are known to be pathogenic (PMID: 3174660, 10679946, 32973344, 33814268).

Literature cited by the submitters: PubMed 15660230; PubMed 15694177; PubMed 16199547; PubMed 3174660; PubMed 10679946; PubMed 32973344; PubMed 33814268.

NM_000478.6(ALPL):c.863-147_884del

Gene: ALPL (alkaline phosphatase, biomineralization associated; plus strand). Cytogenetic location: 1p36.12.
Variant type: Deletion.
Coding change: c.863-147_884del on transcript NM_000478.6 (MANE Select); 147 bases into the intron before coding-DNA position 863 through coding-DNA position 884, 169 bases deleted.
Molecular consequence: splice acceptor variant.
Genome position (GRCh38, 1-based): chr1:21,573,518-21,573,686, 169 bases deleted. GRCh37 (hg19): chr1:21,900,011-21,900,179.
Other names: c.863-147_884del (NM_001369805.2, NM_001369804.2, NM_001369803.2); c.698-147_719del (NM_001127501.4); c.632-147_653del (NM_001177520.3).
Identifiers: ClinVar variation 2002569 (VCV002002569.4), dbSNP rs2545333643, ClinGen allele CA2580061452.